The following is an entry in ClinVar:

ClinVar aggregate classification (germline): Uncertain significance (1 of 4 stars; one submission).

gnomAD v4.1: 1 of 1,613,052 alleles (0.000062%); highest among the groups gnomAD compares: Non-Finnish European, 0.000085%; no homozygotes.

Submission:

CeGaT Center for Human Genetics Tuebingen
Classification: Uncertain significance. Last evaluated: 2023-01-01. Review status: criteria provided, single submitter. Criteria: CeGaT Center For Human Genetics Tuebingen Variant Classification Criteria Version 2. Collection method: clinical testing. Allele origin: germline. Affected: yes. Observed: 1 variant allele.
Comment: LRBA: PM2:Supporting, BP4

NM_001364905.1(LRBA):c.4080C>T (p.Leu1360=)

Gene: LRBA (LPS responsive beige-like anchor protein; minus strand). Cytogenetic location: 4q31.3.
Variant type: single nucleotide variant.
Coding change: c.4080C>T on transcript NM_001364905.1 (MANE Select); coding-DNA position 4080, C replaced by T.
Protein change: p.Leu1360=; no amino-acid change (leucine 1360 retained).
Molecular consequence: synonymous variant.
Genome position (GRCh38, 1-based): chr4:150,849,500, G>A on the plus strand (C>T on the coding strand, the complement: LRBA is on the minus strand). VCF-style: chr4-150849500-G-A. GRCh37 (hg19) VCF-style: chr4-151770652-G-A.
Other names: c.4080C>T, p.Leu1360= (NM_001199282.3, NM_001367550.1, NM_006726.5).
Identifiers: ClinVar variation 2498961 (VCV002498961.28), dbSNP rs1281278520, ClinGen allele CA441759544.
Genomic context (GRCh38, chr4:150,849,500, plus strand): 5'-TGAAAGCAATGGCAGTATACCCCCACAAGCCATGACCATATTGTCCATCACTTGAGAGAT[G>A]AGATGAATTGTGTTGTGTACAAAGATGACATTATCACTGCTATTCACGAAGTCCATAACT-3'
Protein context (NP_001351834.1, residues 1350-1370): NVIFVHNTIH[Leu1360=]ISQVMDNMVM